The following is an entry in ClinVar:

ClinVar aggregate classification (germline): Uncertain significance. Review status: criteria provided, multiple submitters, no conflicts (2 of 4 stars). 3 submissions from 3 submitters: Uncertain significance (3). Last evaluated 2025-11-28.

Conditions:
Cardiovascular phenotype. Identifiers: MedGen CN230736.
Walker-Warburg congenital muscular dystrophy. Also called: Muscular dystrophy-dystroglycanopathy, type A; Walker-Warburg syndrome. Identifiers: Orphanet 899, MedGen C0265221, MONDO:0000171.

Allele frequency attached by ClinVar (database versions not stated): ExAC 0.00001; gnomAD exomes 0.00001.
gnomAD v4.1: 7 of 1,611,900 alleles (0.00043%); highest among the groups gnomAD compares: Admixed American, 0.0033%; no homozygotes.

Submissions (3):

Women's Health and Genetics/Laboratory Corporation of America, LabCorp
Classification: Uncertain significance. Last evaluated: 2025-11-28. Review status: criteria provided, single submitter. Criteria: LabCorp Variant Classification Summary - May 2015. Collection method: clinical testing. Allele origin: germline.

Ambry Genetics
Classification: Uncertain significance for Cardiovascular phenotype. Last evaluated: 2025-06-22. Review status: criteria provided, single submitter. Criteria: Ambry Variant Classification Scheme 2023. Collection method: clinical testing. Allele origin: germline.
Comment: The p.R256Q variant (also known as c.767G>A), located in coding exon 5 of the FKTN gene, results from a G to A substitution at nucleotide position 767. The arginine at codon 256 is replaced by glutamine, an amino acid with highly similar properties. This amino acid position is conserved. In addition, this alteration is predicted to be deleterious by in silico analysis. Since supporting evidence is limited at this time, the clinical significance of this alteration remains unclear.

Labcorp Genetics (formerly Invitae), Labcorp
Classification: Uncertain significance for Walker-Warburg congenital muscular dystrophy. Last evaluated: 2022-07-25. Review status: criteria provided, single submitter. Criteria: Invitae Variant Classification Sherloc (09022015). Collection method: clinical testing. Allele origin: germline.
Comment: This sequence change replaces arginine, which is basic and polar, with glutamine, which is neutral and polar, at codon 256 of the FKTN protein (p.Arg256Gln). This variant is present in population databases (rs765860949, gnomAD 0.003%). This variant has not been reported in the literature in individuals affected with FKTN-related conditions. Algorithms developed to predict the effect of missense changes on protein structure and function (SIFT, PolyPhen-2, Align-GVGD) all suggest that this variant is likely to be tolerated. In summary, the available evidence is currently insufficient to determine the role of this variant in disease. Therefore, it has been classified as a Variant of Uncertain Significance.

NM_001079802.2(FKTN):c.767G>A (p.Arg256Gln)

Gene: FKTN (fukutin; plus strand). Cytogenetic location: 9q31.2.
Variant type: single nucleotide variant.
Coding change: c.767G>A on transcript NM_001079802.2 (MANE Select); coding-DNA position 767, G replaced by A.
Protein change: p.Arg256Gln; replaces arginine 256 with glutamine.
Molecular consequence: missense variant. On other transcripts: non-coding transcript variant (2).
Genome position (GRCh38, 1-based): chr9:105,607,938, G>A. VCF-style: chr9-105607938-G-A. GRCh37 (hg19) VCF-style: chr9-108370219-G-A.
Other names: c.767G>A, p.Arg256Gln (NM_001198963.2, NM_001351496.2, NM_001351498.2 and 1 more transcripts); c.698G>A, p.Arg233Gln (NM_001351497.2); c.371G>A, p.Arg124Gln (NM_001351499.2, NM_001351500.2, NM_001351501.2 and 1 more transcripts); short protein forms R124Q, R233Q, R256Q.
Identifiers: ClinVar variation 1760107 (VCV001760107.6), dbSNP rs765860949, ClinGen allele CA5170479.